The following is an entry in ClinVar:

ClinVar aggregate classification (germline): Uncertain significance (1 of 4 stars; one submission).

Allele frequency attached by ClinVar (database versions not stated): gnomAD exomes below 0.00001; TOPMed below 0.00001.
gnomAD v4.1: 2 of 1,614,176 alleles (0.00012%); highest among the groups gnomAD compares: Non-Finnish European, 0.00017%; no homozygotes.

Submission:

Labcorp Genetics (formerly Invitae), Labcorp
Classification: Uncertain significance. Last evaluated: 2020-10-07. Review status: criteria provided, single submitter. Criteria: Invitae Variant Classification Sherloc (09022015). Collection method: clinical testing. Allele origin: germline.
Comment: In summary, the available evidence is currently insufficient to determine the role of this variant in disease. Therefore, it has been classified as a Variant of Uncertain Significance. Algorithms developed to predict the effect of sequence changes on RNA splicing suggest that this variant may disrupt the consensus splice site, but this prediction has not been confirmed by published transcriptional studies. This variant has not been reported in the literature in individuals with MERTK-related conditions. This variant is not present in population databases (ExAC no frequency). This sequence change falls in intron 6 of the MERTK gene. It does not directly change the encoded amino acid sequence of the MERTK protein.

NM_006343.3(MERTK):c.961-9T>G

Genes: MERTK (MER proto-oncogene, tyrosine kinase; plus strand), LOC112806037 (Sharpr-MPRA regulatory region 3720; plus strand). Cytogenetic location: 2q13.
Variant type: single nucleotide variant.
Coding change: c.961-9T>G on transcript NM_006343.3 (MANE Select); 9 bases into the intron before coding-DNA position 961, T replaced by G.
Molecular consequence: intron variant.
Genome position (GRCh38, 1-based): chr2:111,975,280, T>G. VCF-style: chr2-111975280-T-G. GRCh37 (hg19) VCF-style: chr2-112732857-T-G.
Identifiers: ClinVar variation 999893 (VCV000999893.8), dbSNP rs1181528507, ClinGen allele CA755183980.
Genomic context (GRCh38, chr2:111,975,280, plus strand): 5'-CACAGGCCCCGTGCCTGACATTCCCACCACCTTACTAATGCCCGGTCCTCATGTTTACTC[T>G]TCGTTTAGGTCAAGGAAGCTGATCCGCTGAGTAATGGCTCAGTCATGATTTTTAACACCT-3'